The following is an entry in ClinVar:

ClinVar aggregate classification (germline): Uncertain significance (1 of 4 stars; one submission).

gnomAD v4.1: 3 of 1,614,212 alleles (0.00019%); highest among the groups gnomAD compares: East Asian, 0.0045%; no homozygotes.

Submission:

Labcorp Genetics (formerly Invitae), Labcorp
Classification: Uncertain significance. Last evaluated: 2025-01-10. Review status: criteria provided, single submitter. Criteria: Invitae Variant Classification Sherloc (09022015). Collection method: clinical testing. Allele origin: germline.
Comment: This sequence change replaces proline, which is neutral and non-polar, with arginine, which is basic and polar, at codon 787 of the ARHGAP31 protein (p.Pro787Arg). This variant is present in population databases (rs765917712, gnomAD 0.01%). This variant has not been reported in the literature in individuals affected with ARHGAP31-related conditions. An algorithm developed to predict the effect of missense changes on protein structure and function (PolyPhen-2) suggests that this variant is likely to be tolerated. In summary, the available evidence is currently insufficient to determine the role of this variant in disease. Therefore, it has been classified as a Variant of Uncertain Significance.

NM_020754.4(ARHGAP31):c.2360C>G (p.Pro787Arg)

Gene: ARHGAP31 (Rho GTPase activating protein 31; plus strand). Cytogenetic location: 3q13.33.
Variant type: single nucleotide variant.
Coding change: c.2360C>G on transcript NM_020754.4 (MANE Select); coding-DNA position 2360, C replaced by G.
Protein change: p.Pro787Arg; replaces proline 787 with arginine.
Molecular consequence: missense variant.
Genome position (GRCh38, 1-based): chr3:119,414,289, C>G. VCF-style: chr3-119414289-C-G. GRCh37 (hg19) VCF-style: chr3-119133136-C-G.
Other names: short protein forms P787R.
Identifiers: ClinVar variation 3712587 (VCV003712587.2).